The following is an entry in ClinVar:

ClinVar aggregate classification (germline): Uncertain significance (1 of 4 stars; one submission).

Allele frequency attached by ClinVar (database versions not stated): gnomAD exomes below 0.00001.
gnomAD v4.1: 1 of 1,614,222 alleles (0.000062%); highest among the groups gnomAD compares: Middle Eastern, 0.016%; no homozygotes.

Submission:

Labcorp Genetics (formerly Invitae), Labcorp
Classification: Uncertain significance. Last evaluated: 2023-05-02. Review status: criteria provided, single submitter. Criteria: Invitae Variant Classification Sherloc (09022015). Collection method: clinical testing. Allele origin: germline.
Comment: This variant has not been reported in the literature in individuals affected with MYH3-related conditions. This sequence change replaces histidine, which is basic and polar, with tyrosine, which is neutral and polar, at codon 1332 of the MYH3 protein (p.His1332Tyr). This variant is present in population databases (no rsID available, gnomAD 0.003%). Advanced modeling of protein sequence and biophysical properties (such as structural, functional, and spatial information, amino acid conservation, physicochemical variation, residue mobility, and thermodynamic stability) performed at Invitae indicates that this missense variant is not expected to disrupt MYH3 protein function. In summary, the available evidence is currently insufficient to determine the role of this variant in disease. Therefore, it has been classified as a Variant of Uncertain Significance.

NM_002470.4(MYH3):c.3994C>T (p.His1332Tyr)

Gene: MYH3 (myosin heavy chain 3; minus strand). Cytogenetic location: 17p13.1.
Variant type: single nucleotide variant.
Coding change: c.3994C>T on transcript NM_002470.4 (MANE Select); coding-DNA position 3994, C replaced by T.
Protein change: p.His1332Tyr; replaces histidine 1332 with tyrosine.
Molecular consequence: missense variant.
Genome position (GRCh38, 1-based): chr17:10,635,545, G>A on the plus strand (C>T on the coding strand, the complement: MYH3 is on the minus strand). VCF-style: chr17-10635545-G-A. GRCh37 (hg19) VCF-style: chr17-10538862-G-A.
Other names: short protein forms H1332Y.
Identifiers: ClinVar variation 2861800 (VCV002861800.3), dbSNP rs1332160936, ClinGen allele CA398145789.